The following is an entry in ClinVar:

NM_006035.4(CDC42BPB):c.4271_4272del (p.Ser1423_Phe1424insTer)

Gene: CDC42BPB (CDC42 binding protein kinase beta; minus strand). Cytogenetic location: 14q32.32.
Variant type: Deletion.
Coding change: c.4271_4272del on transcript NM_006035.4 (MANE Select); coding-DNA positions 4271 to 4272, 2 bases deleted (TT; older notation c.4271_4272delTT).
Protein change: p.Ser1423_Phe1424insTer.
Molecular consequence: nonsense.
Genome position (GRCh38, 1-based): chr14:102,944,027-102,944,028, AA deleted on the plus strand (TT on the coding strand, the reverse complement: CDC42BPB is on the minus strand); deleting any 2 consecutive bases within chr14:102,944,027-102,944,030 gives the same sequence; the c. name uses the placement nearest the transcript's 3' end. VCF-style (leftmost placement, unchanged base first): chr14-102944026-CAA-C. GRCh37 (hg19) VCF-style: chr14-103410363-CAA-C.
Other names: c.4193_4194del, p.Ser1397_Phe1398insTer (NM_001411054.1).
Identifiers: ClinVar variation 5005284 (VCV005005284.2).
Genomic context (GRCh38, chr14:102,944,026, plus strand): 5'-CCATGTGGCTGAAGCAAAGCAGGTACTCCTCGCTTTCGAGCTCCACAGCACAAAGGGCAT[CAA>C]AAGACTGTTGTGAGAGGAACGCAAGCGAGGGGTCATTGGGATTTACCAGGTTTAGAGGCT-3'

ClinVar aggregate classification (germline): Uncertain significance (1 of 4 stars; one submission).

Conditions:
Chilton-Okur-Chung neurodevelopmental syndrome (CHOCNS). Identifiers: MedGen C5677022, MONDO:0859239, OMIM 619841.

Submission:

Juno Genomics, Hangzhou Juno Genomics, Inc
Classification: Uncertain significance for Chilton-Okur-Chung neurodevelopmental syndrome. Review status: criteria provided, single submitter. Criteria: ACMG Guidelines, 2015. Collection method: clinical testing. Allele origin: germline.
Comment: Absent from controls (or at extremely low frequency if recessive) in Genome Aggregation Database.